The following is an entry in ClinVar:

ClinVar aggregate classification (germline): Uncertain significance (1 of 4 stars; one submission).

Submission:

Ambry Genetics
Classification: Uncertain significance. Last evaluated: 2024-05-17. Review status: criteria provided, single submitter. Criteria: Ambry Variant Classification Scheme 2023. Collection method: clinical testing. Allele origin: germline.
Comment: The p.K1404E variant (also known as c.4210A>G), located in coding exon 33 of the PRKDC gene, results from an A to G substitution at nucleotide position 4210. The lysine at codon 1404 is replaced by glutamic acid, an amino acid with similar properties. This amino acid position is conserved. In addition, this alteration is predicted to be tolerated by in silico analysis. Based on the available evidence, the clinical significance of this variant remains unclear.

NM_006904.7(PRKDC):c.4210A>G (p.Lys1404Glu)

Gene: PRKDC (protein kinase, DNA-activated, catalytic subunit; minus strand). Cytogenetic location: 8q11.21.
Variant type: single nucleotide variant.
Coding change: c.4210A>G on transcript NM_006904.7 (MANE Select); coding-DNA position 4210, A replaced by G.
Protein change: p.Lys1404Glu; replaces lysine 1404 with glutamic acid.
Molecular consequence: missense variant.
Genome position (GRCh38, 1-based): chr8:47,889,084, T>C on the plus strand (A>G on the coding strand, the complement: PRKDC is on the minus strand). VCF-style: chr8-47889084-T-C. GRCh37 (hg19) VCF-style: chr8-48801645-T-C.
Other names: c.4210A>G, p.Lys1404Glu (NM_001081640.2); short protein forms K1404E.
Identifiers: ClinVar variation 3310148 (VCV003310148.1).